The following is an entry in ClinVar:

ClinVar aggregate classification (germline): Uncertain significance. Review status: criteria provided, multiple submitters, no conflicts (2 of 4 stars). 2 submissions from 2 submitters: Uncertain significance (2). Last evaluated 2022-10-24.

Conditions:
Schimke immuno-osseous dysplasia (SIOD). Also called: Schimke Immunoosseous Dysplasia. Identifiers: Orphanet 1830, MedGen C0877024, MONDO:0009458, OMIM 242900.

gnomAD v4.1: 6 of 1,614,084 alleles (0.00037%); highest among the groups gnomAD compares: African/African-American, 0.0067%; no homozygotes.

Submissions (2):

Labcorp Genetics (formerly Invitae), Labcorp
Classification: Uncertain significance for Schimke immuno-osseous dysplasia. Last evaluated: 2022-10-24. Review status: criteria provided, single submitter. Criteria: Invitae Variant Classification Sherloc (09022015). Collection method: clinical testing. Allele origin: germline.
Comment: This sequence change replaces aspartic acid, which is acidic and polar, with glutamic acid, which is acidic and polar, at codon 649 of the SMARCAL1 protein (p.Asp649Glu). This variant is present in population databases (rs2066526, gnomAD 0.008%). This variant has not been reported in the literature in individuals affected with SMARCAL1-related conditions. ClinVar contains an entry for this variant (Variation ID: 1406431). Advanced modeling of protein sequence and biophysical properties (such as structural, functional, and spatial information, amino acid conservation, physicochemical variation, residue mobility, and thermodynamic stability) performed at Invitae indicates that this missense variant is not expected to disrupt SMARCAL1 protein function. In summary, the available evidence is currently insufficient to determine the role of this variant in disease. Therefore, it has been classified as a Variant of Uncertain Significance.

Fulgent Genetics
Classification: Uncertain significance for Schimke immuno-osseous dysplasia. Last evaluated: 2021-08-13. Review status: criteria provided, single submitter. Criteria: ACMG Guidelines, 2015. Collection method: clinical testing. Allele origin: unknown.

NM_014140.4(SMARCAL1):c.1947C>A (p.Asp649Glu)

Gene: SMARCAL1 (SNF2 related chromatin remodeling annealing helicase 1; plus strand). Cytogenetic location: 2q35.
Variant type: single nucleotide variant.
Coding change: c.1947C>A on transcript NM_014140.4 (MANE Select); coding-DNA position 1947, C replaced by A.
Protein change: p.Asp649Glu; replaces aspartic acid 649 with glutamic acid.
Molecular consequence: missense variant.
Genome position (GRCh38, 1-based): chr2:216,450,941, C>A. VCF-style: chr2-216450941-C-A. GRCh37 (hg19) VCF-style: chr2-217315664-C-A.
Other names: c.1947C>A, p.Asp649Glu (NM_001127207.2); short protein forms D649E.
Identifiers: ClinVar variation 1406431 (VCV001406431.6), dbSNP rs2066526, ClinGen allele CA2098058.